The following is an entry in ClinVar:

ClinVar aggregate classification (germline): Conflicting classifications of pathogenicity. Review status: criteria provided, conflicting classifications (1 of 4 stars). 8 submissions from 8 submitters: Uncertain significance (7); Likely benign (1). Last evaluated 2026-03-24.

Conditions:
PRKAG2-related disorder. Also called: PRKAG2-related disorders; PRKAG2-related condition.
Cardiovascular phenotype. Identifiers: MedGen CN230736.
Cardiomyopathy (CMYO). Also called: Cardiomyopathies. Identifiers: Orphanet 167848, MedGen C0878544, MONDO:0004994, HP:0001638. Inheritance: Various modes of inheritance.
Lethal congenital glycogen storage disease of heart. Also called: GLYCOGEN STORAGE DISEASE OF HEART; PHOSPHORYLASE KINASE DEFICIENCY OF HEART. Identifiers: Orphanet 439854, MedGen C1849813, MONDO:0009867, OMIM 261740.
Hypertrophic cardiomyopathy. Also called: HYPERTROPHIC MYOCARDIOPATHY. Identifiers: Orphanet 217569, MedGen C0007194, MeSH D002312, MONDO:0005045, HP:0001639.

Allele frequency attached by ClinVar (database versions not stated): ExAC 0.00001; gnomAD 0.00001; gnomAD exomes 0.00001 and 0.00007; TOPMed 0.00001.
gnomAD v4.1: 98 of 1,613,896 alleles (0.0061%); highest among the groups gnomAD compares: Non-Finnish European, 0.008%; no homozygotes.

Submissions (8):

PreventionGenetics, part of Exact Sciences
Classification: Uncertain significance for PRKAG2-related condition. Last evaluated: 2026-03-24. Review status: criteria provided, single submitter. Criteria: ACMG Guidelines, 2015. Collection method: clinical testing. Allele origin: germline.
Comment: The PRKAG2 c.320C>T variant is predicted to result in the amino acid substitution p.Pro107Leu. This variant has been reported in an individual with dilated cardiomyopathy (Table S4, Smith et al. 2022. PubMed ID: 35470680) and in another case that was stillborn (Supplementary Table 2, Sahlin et al. 2019. PubMed ID: 30615648). This variant is reported in 0.0039% of alleles in individuals of European (Non-Finnish) descent in gnomAD and is interpreted as uncertain in ClinVar (Variation ID: 181484). At this time, the clinical significance of this variant is uncertain due to the absence of conclusive functional and genetic evidence.

Ambry Genetics
Classification: Uncertain significance for Cardiovascular phenotype. Last evaluated: 2025-12-16. Review status: criteria provided, single submitter. Criteria: Ambry Variant Classification Scheme 2023. Collection method: clinical testing. Allele origin: germline.

Labcorp Genetics (formerly Invitae), Labcorp
Classification: Uncertain significance for Lethal congenital glycogen storage disease of heart. Last evaluated: 2025-10-13. Review status: criteria provided, single submitter. Criteria: Invitae Variant Classification Sherloc (09022015). Collection method: clinical testing. Allele origin: germline.
Comment: This sequence change replaces proline, which is neutral and non-polar, with leucine, which is neutral and non-polar, at codon 107 of the PRKAG2 protein (p.Pro107Leu). This variant is present in population databases (rs730880985, gnomAD 0.004%). This variant has not been reported in the literature in individuals affected with PRKAG2-related conditions. ClinVar contains an entry for this variant (Variation ID: 181484). Invitae Evidence Modeling of protein sequence and biophysical properties (such as structural, functional, and spatial information, amino acid conservation, physicochemical variation, residue mobility, and thermodynamic stability) indicates that this missense variant is not expected to disrupt PRKAG2 protein function with a negative predictive value of 95%. In summary, the available evidence is currently insufficient to determine the role of this variant in disease. Therefore, it has been classified as a Variant of Uncertain Significance.

Blueprint Genetics
Classification: Likely benign. Last evaluated: 2024-08-09. Review status: criteria provided, single submitter. Criteria: ACMG Guidelines, 2015. Collection method: clinical testing. Allele origin: germline.

All of Us Research Program, National Institutes of Health
Classification: Uncertain significance for Hypertrophic cardiomyopathy. Last evaluated: 2024-02-05. Review status: criteria provided, single submitter. Criteria: ACMG Guidelines, 2015. Collection method: clinical testing. Allele origin: germline. Inheritance: Autosomal dominant inheritance. Observed: 2 variant alleles, 2 heterozygotes.
Comment: This missense variant replaces proline with leucine at codon 107 of the PRKAG2 protein. Computational prediction tool is inconclusive regarding the impact of this variant on protein structure and function (internally defined REVEL score threshold 0.5 < inconclusive < 0.7, PMID: 27666373). Splice site prediction tools suggest that this variant may not impact RNA splicing. To our knowledge, functional studies have not been performed for this variant. This variant has not been reported in individuals affected with cardiovascular disorders in the literature. This variant has been identified in 5/282518 chromosomes in the general population by the Genome Aggregation Database (gnomAD). The available evidence is insufficient to determine the role of this variant in disease conclusively. Therefore, this variant is classified as a Variant of Uncertain Significance.

This study involves interpretation of variants in research participants for the purpose of population health screening. Participant phenotype was not available at the time of variant classification. Additional details can be found in publication PMID: 35346344, PMCID: PMC8962531

Color Diagnostics, LLC DBA Color Health
Classification: Uncertain significance for Cardiomyopathy. Last evaluated: 2023-11-28. Review status: criteria provided, single submitter. Criteria: ACMG Guidelines, 2015. Collection method: clinical testing. Allele origin: germline.
Comment: This missense variant replaces proline with leucine at codon 107 of the PRKAG2 protein. Computational prediction is inconclusive regarding the impact of this variant on protein structure and function (internally defined REVEL score threshold 0.5 < inconclusive < 0.7, PMID: 27666373). To our knowledge, functional studies have not been reported for this variant. This variant has not been reported in individuals affected with PRKAG2-related disorders in the literature. This variant has been identified in 5/282518 chromosomes in the general population by the Genome Aggregation Database (gnomAD). The available evidence is insufficient to determine the role of this variant in disease conclusively. Therefore, this variant is classified as a Variant of Uncertain Significance.

Mayo Clinic Laboratories, Mayo Clinic
Classification: Uncertain significance. Last evaluated: 2021-11-24. Review status: criteria provided, single submitter. Criteria: ACMG Guidelines, 2015. Collection method: clinical testing. Allele origin: germline.

GeneDx
Classification: Uncertain significance. Last evaluated: 2013-07-24. Review status: criteria provided, single submitter. Criteria: GeneDx Variant Classification (06012015). Collection method: clinical testing. Allele origin: germline. Affected: yes.
Comment: p.Pro107Leu (CCG>CTG): c.320 C>T in exon 3 of the PRKAG2 gene (NM_016203.3) The Pro107Leu variant in the PRKAG2 gene has not been reported as a disease-causing mutation or as a benign polymorphism to our knowledge. The Pro107Leu variant was not observed in approximately 6500 individuals of European and African American ancestry in the NHLBI Exome Sequencing Project, indicating it is not a common benign variant in these populations. Pro107Leu represents a semi-conservative amino acid substitution resulting in the removal of a sterically-constrained Proline at a position that is conserved in mammal species. In silico analysis predicts Pro107Leu is damaging to the protein structure/function. However, mutations in nearby residues have not been reported, indicating this region of the protein may tolerate change.With the clinical and molecular information available at this time, we cannot definitively determine if Pro107Leu is a disease-causing mutation or a rare benign variant. The variant is found in HCM panel(s).

NM_016203.4(PRKAG2):c.320C>T (p.Pro107Leu)

Gene: PRKAG2 (protein kinase AMP-activated non-catalytic subunit gamma 2; minus strand). Cytogenetic location: 7q36.1.
Variant type: single nucleotide variant.
Coding change: c.320C>T on transcript NM_016203.4 (MANE Select); coding-DNA position 320, C replaced by T.
Protein change: p.Pro107Leu; replaces proline 107 with leucine.
Molecular consequence: missense variant.
Genome position (GRCh38, 1-based): chr7:151,781,298, G>A on the plus strand (C>T on the coding strand, the complement: PRKAG2 is on the minus strand). VCF-style: chr7-151781298-G-A. GRCh37 (hg19) VCF-style: chr7-151478384-G-A.
Other names: p.P107L:CCG>CTG; p.Pro107Leu; c.188C>T, p.Pro63Leu (NM_001040633.2); short protein forms P107L, P63L.
Identifiers: ClinVar variation 181484 (VCV000181484.26), dbSNP rs730880985, ClinGen allele CA014141.